The following is an entry in ClinVar:

NM_025150.4(TARS2):c.-212T>C

Gene: TARS2 (threonyl-tRNA synthetase 2, mitochondrial; plus strand). Cytogenetic location: 1q21.2.
Variant type: single nucleotide variant.
Coding change: c.-212T>C on transcript NM_025150.4; 212 bases upstream of the start codon, T replaced by C.
Genome position (GRCh38, 1-based): chr1:150,487,239, T>C. VCF-style: chr1-150487239-T-C. GRCh37 (hg19) VCF-style: chr1-150459715-T-C.
Identifiers: ClinVar variation 676423 (VCV000676423.4), dbSNP rs34001546, ClinGen allele CA10738824.

ClinVar aggregate classification (germline): Benign. Review status: criteria provided, multiple submitters, no conflicts (2 of 4 stars). 2 submissions from 2 submitters: Benign (2). Last evaluated 2018-06-16.

Allele frequency attached by ClinVar (database versions not stated): gnomAD 0.11991 and 0.12563; 1000 Genomes Project 0.09784; gnomAD exomes 0.08071; 1000 Genomes Project 30x 0.10134; TOPMed 0.12224.

Submissions (2):

GeneDx
Classification: Benign. Last evaluated: 2018-06-16. Review status: criteria provided, single submitter. Criteria: GeneDx Variant Classification (06012015). Collection method: clinical testing. Allele origin: germline. Affected: yes.
Comment: This variant is considered likely benign or benign based on one or more of the following criteria: it is a conservative change, it occurs at a poorly conserved position in the protein, it is predicted to be benign by multiple in silico algorithms, and/or has population frequency not consistent with disease.

Breakthrough Genomics
Classification: Benign. Review status: criteria provided, single submitter. Criteria: ACMG Guidelines, 2015. Collection method: not provided. Allele origin: germline. Inheritance: Autosomal recessive inheritance. Affected: yes.